The following is an entry in ClinVar:

NM_022124.6(CDH23):c.9749C>T (p.Thr3250Ile)

Gene: CDH23 (cadherin related 23; plus strand). Cytogenetic location: 10q22.1.
Variant type: single nucleotide variant.
Coding change: c.9749C>T on transcript NM_022124.6 (MANE Select); coding-DNA position 9749, C replaced by T.
Protein change: p.Thr3250Ile; replaces threonine 3250 with isoleucine.
Molecular consequence: missense variant.
Genome position (GRCh38, 1-based): chr10:71,814,962, C>T. VCF-style: chr10-71814962-C-T. GRCh37 (hg19) VCF-style: chr10-73574719-C-T.
Other names: c.9749C>T (NM_022124.5); c.3029C>T, p.Thr1010Ile (NM_001171933.1); c.2924C>T, p.Thr975Ile (NM_001171934.1); c.440C>T, p.Thr147Ile (NM_001171935.1); c.335C>T, p.Thr112Ile (NM_001171936.1); short protein forms T112I, T975I, T147I, T1010I, T3250I.
Identifiers: ClinVar variation 2149154 (VCV002149154.2), dbSNP rs774429359, ClinGen allele CA5547174.

ClinVar aggregate classification (germline): Uncertain significance. Review status: criteria provided, single submitter (1 of 4 stars). 2 submissions from 2 submitters: Uncertain significance (1). 1 of the submissions does not count toward it. Last evaluated 2021-12-23.

Conditions:
Usher syndrome type 1 (USH1). Also called: RETINITIS PIGMENTOSA AND CONGENITAL DEAFNESS. Identifiers: Orphanet 231169, Orphanet 886, MedGen C1568247, MONDO:0010168, OMIM 276900.

Allele frequency attached by ClinVar (database versions not stated): TOPMed 0.00001; gnomAD exomes 0.00002; gnomAD 0.00001; ExAC 0.00002.
gnomAD v4.1: 31 of 1,610,938 alleles (0.0019%); highest among the groups gnomAD compares: Non-Finnish European, 0.0026%; no homozygotes.

Submissions (2):

Labcorp Genetics (formerly Invitae), Labcorp
Classification: Uncertain significance. Last evaluated: 2021-12-23. Review status: criteria provided, single submitter. Criteria: Invitae Variant Classification Sherloc (09022015). Collection method: clinical testing. Allele origin: germline.
Comment: This sequence change replaces threonine, which is neutral and polar, with isoleucine, which is neutral and non-polar, at codon 3250 of the CDH23 protein (p.Thr3250Ile). This variant is present in population databases (rs774429359, gnomAD 0.002%). This variant has not been reported in the literature in individuals affected with CDH23-related conditions. Algorithms developed to predict the effect of missense changes on protein structure and function are either unavailable or do not agree on the potential impact of this missense change (SIFT: "Deleterious"; PolyPhen-2: "Not Available"; Align-GVGD: "Class C0"). In summary, the available evidence is currently insufficient to determine the role of this variant in disease. Therefore, it has been classified as a Variant of Uncertain Significance.

Natera, Inc.
Classification: Uncertain significance for Usher syndrome type 1. Last evaluated: 2025-04-10. Review status: no assertion criteria provided. Collection method: clinical testing. Allele origin: germline. Not counted in ClinVar's aggregate classification.